The following is an entry in ClinVar:

NM_032520.5(GNPTG):c.389G>A (p.Arg130His)

Gene: GNPTG (N-acetylglucosamine-1-phosphate transferase subunit gamma; plus strand). Cytogenetic location: 16p13.3.
Variant type: single nucleotide variant.
Coding change: c.389G>A on transcript NM_032520.5 (MANE Select); coding-DNA position 389, G replaced by A.
Protein change: p.Arg130His; replaces arginine 130 with histidine.
Molecular consequence: missense variant.
Genome position (GRCh38, 1-based): chr16:1,362,109, G>A. VCF-style: chr16-1362109-G-A. GRCh37 (hg19) VCF-style: chr16-1412110-G-A.
Other names: short protein forms R130H.
Identifiers: ClinVar variation 2139166 (VCV002139166.2), dbSNP rs554418793, ClinGen allele CA7807661.

ClinVar aggregate classification (germline): Uncertain significance. Review status: criteria provided, multiple submitters, no conflicts (2 of 4 stars). 2 submissions from 2 submitters: Uncertain significance (2). Last evaluated 2021-09-24.

Allele frequency attached by ClinVar (database versions not stated): ExAC 0.00001; gnomAD exomes 0.00002; gnomAD 0.00003; 1000 Genomes Project 30x 0.00016; 1000 Genomes Project 0.00020.

Submissions (2):

Labcorp Genetics (formerly Invitae), Labcorp
Classification: Uncertain significance. Last evaluated: 2021-09-24. Review status: criteria provided, single submitter. Criteria: Invitae Variant Classification Sherloc (09022015). Collection method: clinical testing. Allele origin: germline.
Comment: This sequence change replaces arginine with histidine at codon 130 of the GNPTG protein (p.Arg130His). The arginine residue is weakly conserved and there is a small physicochemical difference between arginine and histidine. This variant is present in population databases (rs554418793, ExAC 0.01%). This variant has not been reported in the literature in individuals affected with GNPTG-related conditions. Algorithms developed to predict the effect of missense changes on protein structure and function output the following: SIFT: "Tolerated"; PolyPhen-2: "Benign"; Align-GVGD: "Class C0". The histidine amino acid residue is found in multiple mammalian species, which suggests that this missense change does not adversely affect protein function. In summary, the available evidence is currently insufficient to determine the role of this variant in disease. Therefore, it has been classified as a Variant of Uncertain Significance.

Blueprint Genetics
Classification: Uncertain significance. Last evaluated: 2019-10-30. Review status: criteria provided, single submitter. Criteria: ACMG Guidelines, 2015. Collection method: clinical testing. Allele origin: germline.